The following is an entry in ClinVar:

GRCh38/hg38 12q24.32(chr12:126526398-127998599)x3

Genes: LINC00507 (long intergenic non-protein coding RNA 507; plus strand), LINC00508 (long intergenic non-protein coding RNA 508; minus strand), LINC00943 (long intergenic non-protein coding RNA 943; plus strand), LINC00944 (long intergenic non-protein coding RNA 944; minus strand), LINC02372 (long intergenic non-protein coding RNA 2372; minus strand) and 25 more. Cytogenetic location: 12q24.32.
Variant type: copy number gain.
Change: copy number 3 (three copies instead of two) of chr12:126,526,398-127,998,599 (1.47 Mb, GRCh38 coordinates, 1-based), cytogenetic band 12q24.32.
Identifiers: ClinVar variation 150625 (VCV000150625.3).

ClinVar aggregate classification (germline): conflicting data from submitters (0 of 4 stars; one submission).

Submission:

ISCA site 1
Classification: conflicting data from submitters. Last evaluated: 2012-12-10. Review status: no assertion criteria provided. Collection method: clinical testing. Allele origin: unknown, maternal. Affected: yes. Observed: 2 variant alleles.
Comment: Uncertain significance(1), Likely benign (1)

Copy number variation identified through the course of routine clinical cytogenomic testing in postnatal populations, with clinical assertions as classified by the original submitter. For data from the original published study, Kaminsky, et al. 2011 (PubMed 21844811), please see nstd101.